The following is an entry in ClinVar:

NM_002067.5(GNA11):c.736-5G>A

Gene: GNA11 (G protein subunit alpha 11; plus strand). Cytogenetic location: 19p13.3.
Variant type: single nucleotide variant.
Coding change: c.736-5G>A on transcript NM_002067.5 (MANE Select); 5 bases into the intron before coding-DNA position 736, G replaced by A.
Molecular consequence: intron variant.
Genome position (GRCh38, 1-based): chr19:3,119,201, G>A. VCF-style: chr19-3119201-G-A. GRCh37 (hg19) VCF-style: chr19-3119199-G-A.
Other names: p.?.
Identifiers: ClinVar variation 1587941 (VCV001587941.10), dbSNP rs770720811, ClinGen allele CA9075009.
Genomic context (GRCh38, chr19:3,119,201, plus strand): 5'-CTGCCCCTTGGGCTGTGTGCAGTGGGGAGGGCCCCTCTGATTCCCTCTGCCTTCGCTCCC[G>A]CCAGAACCGGATGGAGGAGAGCAAAGCCCTGTTCCGGACCATCATCACCTACCCCTGGTT-3'

ClinVar aggregate classification (germline): Conflicting classifications of pathogenicity. Review status: criteria provided, conflicting classifications (1 of 4 stars). 3 submissions from 3 submitters: Uncertain significance (1); Likely benign (2). Last evaluated 2026-02-16.

Conditions:
Familial hyperparathyroidism or Hypocalciuric hypercalcaemia.

Allele frequency attached by ClinVar (database versions not stated): ExAC 0.00002; TOPMed 0.00006; gnomAD 0.00010 and 0.00009.
gnomAD v4.1: 29 of 1,612,116 alleles (0.0018%); highest among the groups gnomAD compares: African/African-American, 0.019%; no homozygotes.

Submissions (3):

Cambridge Genomics Laboratory, East Genomic Laboratory Hub, NHS Genomic Medicine Service
Classification: Uncertain significance for Familial hyperparathyroidism or Hypocalciuric hypercalcaemia. Last evaluated: 2026-02-16. Review status: criteria provided, single submitter. Criteria: ACGS Best Practice Guidelines for Variant Classification in Rare Disease 2020. Collection method: clinical testing. Allele origin: germline. Affected: yes.

Mayo Clinic Laboratories, Mayo Clinic
Classification: Likely benign. Last evaluated: 2025-06-20. Review status: criteria provided, single submitter. Criteria: ACMG Guidelines, 2015. Collection method: clinical testing. Allele origin: germline. Observed: 1 variant allele.
Comment: BP4, BP7

Labcorp Genetics (formerly Invitae), Labcorp
Classification: Likely benign. Last evaluated: 2025-06-12. Review status: criteria provided, single submitter. Criteria: Invitae Variant Classification Sherloc (09022015). Collection method: clinical testing. Allele origin: germline.